The following is an entry in ClinVar:

ClinVar aggregate classification (germline): Uncertain significance (1 of 4 stars; one submission).

Conditions:
Long QT syndrome (LQTS). Identifiers: MedGen C0023976, MeSH D008133, MONDO:0002442. Disease mechanism: loss of function. Inheritance: Various modes of inheritance.

gnomAD v4.1: 1 of 1,613,900 alleles (0.000062%); no homozygotes.

Submission:

Labcorp Genetics (formerly Invitae), Labcorp
Classification: Uncertain significance for Long QT syndrome. Last evaluated: 2024-09-09. Review status: criteria provided, single submitter. Criteria: Invitae Variant Classification Sherloc (09022015). Collection method: clinical testing. Allele origin: germline.
Comment: This sequence change replaces arginine, which is basic and polar, with tryptophan, which is neutral and slightly polar, at codon 966 of the CACNA1C protein (p.Arg966Trp). This variant is not present in population databases (gnomAD no frequency). This variant has not been reported in the literature in individuals affected with CACNA1C-related conditions. Invitae Evidence Modeling of protein sequence and biophysical properties (such as structural, functional, and spatial information, amino acid conservation, physicochemical variation, residue mobility, and thermodynamic stability) indicates that this missense variant is expected to disrupt CACNA1C protein function with a positive predictive value of 95%. In summary, the available evidence is currently insufficient to determine the role of this variant in disease. Therefore, it has been classified as a Variant of Uncertain Significance.

NM_000719.7(CACNA1C):c.2896C>T (p.Arg966Trp)

Gene: CACNA1C (calcium voltage-gated channel subunit alpha1 C; plus strand). Cytogenetic location: 12p13.33.
Variant type: single nucleotide variant.
Coding change: c.2896C>T on transcript NM_000719.7 (MANE Select); coding-DNA position 2896, C replaced by T.
Protein change: p.Arg966Trp; replaces arginine 966 with tryptophan.
Molecular consequence: missense variant.
Genome position (GRCh38, 1-based): chr12:2,601,896, C>T. VCF-style: chr12-2601896-C-T. GRCh37 (hg19) VCF-style: chr12-2711062-C-T.
Other names: c.2896C>T, p.Arg966Trp (NM_001129835.2, NM_001129836.2, NM_001129837.2 and 15 more transcripts); c.2956C>T, p.Arg986Trp (NM_001129827.2, NM_001129832.2, NM_199460.4); c.2887C>T, p.Arg963Trp (NM_001129844.2); short protein forms R986W, R963W, R966W.
Identifiers: ClinVar variation 3667336 (VCV003667336.2).